The following is an entry in ClinVar:

ClinVar aggregate classification (germline): Uncertain significance (1 of 4 stars; one submission).

Conditions:
Ehlers-Danlos syndrome, kyphoscoliotic type, 2. Also called: Ehlers-Danlos syndrome with progressive kyphoscoliosis, myopathy, and hearing loss; Ehlers-Danlos syndrome, kyphoscoliotic and deafness type; FKBP14-Kyphoscoliotic Ehlers-Danlos Syndrome. Identifiers: Orphanet 300179, MedGen C3281160, MONDO:0013800, OMIM 614557.

Allele frequency attached by ClinVar (database versions not stated): gnomAD exomes below 0.00001; TOPMed below 0.00001; ExAC 0.00001.
gnomAD v4.1: 5 of 1,612,072 alleles (0.00031%); highest among the groups gnomAD compares: Non-Finnish European, 0.00042%; no homozygotes.

Submission:

Labcorp Genetics (formerly Invitae), Labcorp
Classification: Uncertain significance for Ehlers-Danlos syndrome, kyphoscoliotic type, 2. Last evaluated: 2022-07-04. Review status: criteria provided, single submitter. Criteria: Invitae Variant Classification Sherloc (09022015). Collection method: clinical testing. Allele origin: germline.
Comment: This sequence change replaces asparagine, which is neutral and polar, with lysine, which is basic and polar, at codon 7 of the FKBP14 protein (p.Asn7Lys). Algorithms developed to predict the effect of missense changes on protein structure and function output the following: SIFT: "Tolerated"; PolyPhen-2: "Benign"; Align-GVGD: "Class C0". The lysine amino acid residue is found in multiple mammalian species, which suggests that this missense change does not adversely affect protein function. This variant has not been reported in the literature in individuals affected with FKBP14-related conditions. This variant is present in population databases (rs753043634, gnomAD 0.004%). In summary, the available evidence is currently insufficient to determine the role of this variant in disease. Therefore, it has been classified as a Variant of Uncertain Significance.

NM_017946.4(FKBP14):c.21C>A (p.Asn7Lys)

Genes: FKBP14-AS1 (FKBP14 antisense RNA 1; plus strand), FKBP14 (FKBP prolyl isomerase 14; minus strand). Cytogenetic location: 7p14.3.
Variant type: single nucleotide variant.
Coding change: c.21C>A on transcript NM_017946.4 (MANE Select); coding-DNA position 21, C replaced by A.
Protein change: p.Asn7Lys; replaces asparagine 7 with lysine.
Molecular consequence: missense variant. On other transcripts: non-coding transcript variant (2).
Genome position (GRCh38, 1-based): chr7:30,026,488, G>T on the plus strand (C>A on the coding strand, the complement: FKBP14 is on the minus strand). VCF-style: chr7-30026488-G-T. GRCh37 (hg19) VCF-style: chr7-30066104-G-T.
Other names: short protein forms N7K.
Identifiers: ClinVar variation 2413528 (VCV002413528.7), dbSNP rs753043634, ClinGen allele CA4203521.